The following is an entry in ClinVar:

ClinVar aggregate classification (germline): Likely benign. Review status: criteria provided, single submitter (1 of 4 stars). 2 submissions from 2 submitters: Likely benign (1). 1 of the submissions does not count toward it.

Conditions:
Familial cancer of breast. Also called: BREAST CANCER, FAMILIAL; hereditary breast carcinoma; Hereditary breast cancer. Identifiers: Orphanet 227535, MedGen C0346153, MONDO:0016419, OMIM 114480. Disease mechanism: loss of function.

Allele frequency attached by ClinVar (database versions not stated): 1000 Genomes Project 30x 0.00047; 1000 Genomes Project 0.00060; TOPMed 0.00065.
gnomAD v4.1: 899 of 1,448,962 alleles (0.062%); highest among the groups gnomAD compares: Admixed American, 0.13%; no homozygotes.

Submissions (2):

Breakthrough Genomics
Classification: Likely benign. Review status: criteria provided, single submitter. Criteria: ACMG Guidelines, 2015. Collection method: not provided. Allele origin: germline. Inheritance: Autosomal dominant inheritance. Affected: yes.

Leiden Open Variation Database
Classification: Likely benign for Familial cancer of breast. Last evaluated: 2019-05-13. Review status: no assertion criteria provided. Collection method: curation. Allele origin: germline. Affected: yes. Not counted in ClinVar's aggregate classification.
Comment: Curators: Marc Tischkowitz, Arleen D. Auerbach. Submitter to LOVD: Marc Tischkowitz.

Literature cited by the submitters: PubMed 23824750 (cited by Leiden Open Variation Database).

NM_024675.4(PALB2):c.49-54C>T

Gene: PALB2 (partner and localizer of BRCA2; minus strand). Cytogenetic location: 16p12.2.
Variant type: single nucleotide variant.
Coding change: c.49-54C>T on transcript NM_024675.4 (MANE Select); 54 bases into the intron before coding-DNA position 49, C replaced by T.
Molecular consequence: intron variant.
Genome position (GRCh38, 1-based): chr16:23,638,183, G>A on the plus strand (C>T on the coding strand, the complement: PALB2 is on the minus strand). VCF-style: chr16-23638183-G-A. GRCh37 (hg19) VCF-style: chr16-23649504-G-A.
Identifiers: ClinVar variation 126753 (VCV000126753.4), dbSNP rs515726121, ClinGen allele CA269632.
Genomic context (GRCh38, chr16:23,638,183, plus strand): 5'-CCTTTAACTGGAAGAAGAAAAACACCAACAATACTGGGCAAGTGGAAAGGTGGAGTCAGA[G>A]GGAAGGGATGCAGTGCTTGGCGGGGTCCCTTGGCAAGAGGCAGGGAGTAGCACTGGTCCA-3'